The following is an entry in ClinVar:

ClinVar aggregate classification (germline): Pathogenic. Review status: criteria provided, multiple submitters, no conflicts (2 of 4 stars). 2 submissions from 2 submitters: Pathogenic (2). Last evaluated 2025-08-21.

Conditions:
Polycystic kidney disease, adult type (PKD1). Also called: Polycystic Kidney, Autosomal Dominant; POLYCYSTIC KIDNEY DISEASE, ADULT, TYPE I; Polycystic Kidney Disease 1, Autosomal Dominant; Polycystic kidney disease 1; Polycystic kidney disease 1, severe; POLYCYSTIC KIDNEY DISEASE 1 WITH OR WITHOUT POLYCYSTIC LIVER DISEASE. Identifiers: MedGen C3149841, MONDO:0008263, OMIM 173900.

Submissions (2):

GeneDx
Classification: Pathogenic. Last evaluated: 2025-08-21. Review status: criteria provided, single submitter. Criteria: GeneDx Variant Classification Process June 2021. Collection method: clinical testing. Allele origin: germline. Affected: yes.
Comment: Frameshift variant predicted to result in protein truncation or nonsense mediated decay in a gene for which loss of function is a known mechanism of disease; Not observed at significant frequency in large population cohorts (gnomAD); Has not been previously published as pathogenic or benign to our knowledge

Fulgent Genetics
Classification: Pathogenic for Polycystic kidney disease, adult type. Last evaluated: 2023-12-29. Review status: criteria provided, single submitter. Criteria: ACMG Guidelines, 2015. Collection method: clinical testing. Allele origin: germline.

NM_001009944.3(PKD1):c.3171_3172del (p.Phe1057fs)

Gene: PKD1 (polycystin 1, transient receptor potential channel interacting; minus strand). Cytogenetic location: 16p13.3.
Variant type: Deletion.
Coding change: c.3171_3172del on transcript NM_001009944.3 (MANE Select); coding-DNA positions 3171 to 3172, 2 bases deleted (TG; older notation c.3171_3172delTG).
Protein change: p.Phe1057fs; shifts the reading frame from phenylalanine 1057.
Molecular consequence: frameshift variant.
Genome position (GRCh38, 1-based): chr16:2,112,463-2,112,464, CA deleted on the plus strand (TG on the coding strand, the reverse complement: PKD1 is on the minus strand). VCF-style (leftmost placement, unchanged base first): chr16-2112462-CCA-C. GRCh37 (hg19) VCF-style: chr16-2162463-CCA-C.
Other names: c.3171_3172del, p.Phe1057fs (NM_000296.4); short protein forms F1057fs.
Identifiers: ClinVar variation 1326186 (VCV001326186.4), dbSNP rs2151804597, ClinGen allele CA2573054183.